The following is an entry in ClinVar:

NM_000163.5(GHR):c.1852G>A (p.Asp618Asn)

Gene: GHR (growth hormone receptor; plus strand). Cytogenetic location: 5p12.
Variant type: single nucleotide variant.
Coding change: c.1852G>A on transcript NM_000163.5 (MANE Select); coding-DNA position 1852, G replaced by A.
Protein change: p.Asp618Asn; replaces aspartic acid 618 with asparagine.
Molecular consequence: missense variant. On other transcripts: 3 prime UTR variant (1).
Genome position (GRCh38, 1-based): chr5:42,719,359, G>A. VCF-style: chr5-42719359-G-A. GRCh37 (hg19) VCF-style: chr5-42719461-G-A.
Other names: c.1873G>A, p.Asp625Asn (NM_001242399.2); c.1852G>A, p.Asp618Asn (NM_001242400.2, NM_001242401.4, NM_001242402.2 and 4 more transcripts); c.1786G>A, p.Asp596Asn (NM_001242460.2); c.*894G>A (NM_001242462.1); c.1852G>A (NM_000163.4); short protein forms D596N, D618N, D625N.
Identifiers: ClinVar variation 2416565 (VCV002416565.5), dbSNP rs768212765, ClinGen allele CA3254720.
Genomic context (GRCh38, chr5:42,719,359, plus strand): 5'-ATTCATATAGTACAGTCCCCACAGGGCCTCATACTCAATGCGACTGCCTTGCCCTTGCCT[G>A]ACAAAGAGTTTCTCTCATCATGTGGCTATGTGAGCACAGACCAACTGAACAAAATCATGC-3'
Protein context (NP_000154.1, residues 608-628): ILNATALPLP[Asp618Asn]KEFLSSCGYV

ClinVar aggregate classification (germline): Uncertain significance. Review status: criteria provided, multiple submitters, no conflicts (2 of 4 stars). 2 submissions from 2 submitters: Uncertain significance (2). Last evaluated 2025-07-16.

Conditions:
Inborn genetic diseases. Identifiers: MedGen C0950123, MeSH D030342.

Allele frequency attached by ClinVar (database versions not stated): ExAC 0.00001; gnomAD exomes 0.00001; gnomAD 0.00005; TOPMed 0.00012.
gnomAD v4.1: 14 of 1,613,924 alleles (0.00087%); highest among the groups gnomAD compares: Admixed American, 0.012%; no homozygotes.

Submissions (2):

Labcorp Genetics (formerly Invitae), Labcorp
Classification: Uncertain significance. Last evaluated: 2025-07-16. Review status: criteria provided, single submitter. Criteria: Invitae Variant Classification Sherloc (09022015). Collection method: clinical testing. Allele origin: germline.
Comment: This sequence change replaces aspartic acid, which is acidic and polar, with asparagine, which is neutral and polar, at codon 618 of the GHR protein (p.Asp618Asn). This variant is present in population databases (rs768212765, gnomAD 0.004%). This variant has not been reported in the literature in individuals affected with GHR-related conditions. ClinVar contains an entry for this variant (Variation ID: 2416565). Invitae Evidence Modeling of protein sequence and biophysical properties (such as structural, functional, and spatial information, amino acid conservation, physicochemical variation, residue mobility, and thermodynamic stability) indicates that this missense variant is not expected to disrupt GHR protein function with a negative predictive value of 80%. In summary, the available evidence is currently insufficient to determine the role of this variant in disease. Therefore, it has been classified as a Variant of Uncertain Significance.

Ambry Genetics
Classification: Uncertain significance for Inborn genetic diseases. Last evaluated: 2025-04-09. Review status: criteria provided, single submitter. Criteria: Ambry Variant Classification Scheme 2023. Collection method: clinical testing. Allele origin: germline.